The following is an entry in ClinVar:

NM_020778.5(ALPK3):c.215C>G (p.Thr72Arg)

Gene: ALPK3 (alpha kinase 3; plus strand). Cytogenetic location: 15q25.3.
Variant type: single nucleotide variant.
Coding change: c.215C>G on transcript NM_020778.5 (MANE Select); coding-DNA position 215, C replaced by G.
Protein change: p.Thr72Arg; replaces threonine 72 with arginine.
Molecular consequence: missense variant.
Genome position (GRCh38, 1-based): chr15:84,827,516, C>G. VCF-style: chr15-84827516-C-G. GRCh37 (hg19) VCF-style: chr15-85370747-C-G.
Other names: short protein forms T72R.
Identifiers: ClinVar variation 1762503 (VCV001762503.4), dbSNP rs781502917, ClinGen allele CA7708890.

ClinVar aggregate classification (germline): Uncertain significance. Review status: criteria provided, multiple submitters, no conflicts (2 of 4 stars). 3 submissions from 3 submitters: Uncertain significance (3). Last evaluated 2025-11-28.

Conditions:
Cardiovascular phenotype. Identifiers: MedGen CN230736.

Allele frequency attached by ClinVar (database versions not stated): gnomAD exomes below 0.00001.
gnomAD v4.1: 5 of 1,614,236 alleles (0.00031%); highest among the groups gnomAD compares: Non-Finnish European, 0.00034%; no homozygotes.

Submissions (3):

Labcorp Genetics (formerly Invitae), Labcorp
Classification: Uncertain significance. Last evaluated: 2025-11-28. Review status: criteria provided, single submitter. Criteria: Invitae Variant Classification Sherloc (09022015). Collection method: clinical testing. Allele origin: germline.
Comment: This sequence change replaces threonine, which is neutral and polar, with arginine, which is basic and polar, at codon 274 of the ALPK3 protein (p.Thr274Arg). This variant is present in population databases (rs781502917, gnomAD 0.0009%). This variant has not been reported in the literature in individuals affected with ALPK3-related conditions. ClinVar contains an entry for this variant (Variation ID: 1762503). An algorithm developed to predict the effect of missense changes on protein structure and function (PolyPhen-2) suggests that this variant is likely to be disruptive. In summary, the available evidence is currently insufficient to determine the role of this variant in disease. Therefore, it has been classified as a Variant of Uncertain Significance.

Blueprint Genetics
Classification: Uncertain significance. Last evaluated: 2024-10-17. Review status: criteria provided, single submitter. Criteria: ACMG Guidelines, 2015. Collection method: clinical testing. Allele origin: germline.

Ambry Genetics
Classification: Uncertain significance for Cardiovascular phenotype. Last evaluated: 2021-10-11. Review status: criteria provided, single submitter. Criteria: Ambry Variant Classification Scheme 2023. Collection method: clinical testing. Allele origin: germline.
Comment: The p.T274R variant (also known as c.821C>G), located in coding exon 3 of the ALPK3 gene, results from a C to G substitution at nucleotide position 821. The threonine at codon 274 is replaced by arginine, an amino acid with similar properties. This amino acid position is conserved. In addition, the in silico prediction for this alteration is inconclusive. Since supporting evidence is limited at this time, the clinical significance of this alteration remains unclear.